The following is an entry in ClinVar:

NM_024675.4(PALB2):c.2854G>A (p.Asp952Asn)

Gene: PALB2 (partner and localizer of BRCA2; minus strand). Cytogenetic location: 16p12.2.
Variant type: single nucleotide variant.
Coding change: c.2854G>A on transcript NM_024675.4 (MANE Select); coding-DNA position 2854, G replaced by A.
Protein change: p.Asp952Asn; replaces aspartic acid 952 with asparagine.
Molecular consequence: missense variant.
Genome position (GRCh38, 1-based): chr16:23,623,111, C>T on the plus strand (G>A on the coding strand, the complement: PALB2 is on the minus strand). VCF-style: chr16-23623111-C-T. GRCh37 (hg19) VCF-style: chr16-23634432-C-T.
Other names: c.2794G>A, p.Asp932Asn (NM_001407296.1); c.2782G>A, p.Asp928Asn (NM_001407297.1); c.2692G>A, p.Asp898Asn (NM_001407298.1, NM_001407302.1); c.2854G>A, p.Asp952Asn (NM_001407299.1, NM_001407301.1); c.1969G>A, p.Asp657Asn (NM_001407304.1, NM_001407305.1, NM_001407306.1 and 4 more transcripts); c.1807G>A, p.Asp603Asn (NM_001407307.1); c.1066G>A, p.Asp356Asn (NM_001407312.1, NM_001407313.1); c.388G>A, p.Asp130Asn (NM_001407314.1); short protein forms D603N, D928N, D952N, D356N, D130N, D657N, D898N, D932N.
Identifiers: ClinVar variation 1796880 (VCV001796880.2), dbSNP rs2142337544, ClinGen allele CA395144476.

ClinVar aggregate classification (germline): Uncertain significance (1 of 4 stars; one submission).

Conditions:
Hereditary cancer-predisposing syndrome. Also called: Tumor predisposition; Hereditary Cancer Syndrome; Neoplastic Syndromes, Hereditary; Hereditary neoplastic syndrome. Identifiers: Orphanet 140162, MedGen C0027672, MeSH D009386, MONDO:0015356.

Submission:

Ambry Genetics
Classification: Uncertain significance for Hereditary cancer-predisposing syndrome. Last evaluated: 2021-10-02. Review status: criteria provided, single submitter. Criteria: Ambry Variant Classification Scheme 2023. Collection method: clinical testing. Allele origin: germline.
Comment: The p.D952N variant (also known as c.2854G>A), located in coding exon 9 of the PALB2 gene, results from a G to A substitution at nucleotide position 2854. The aspartic acid at codon 952 is replaced by asparagine, an amino acid with highly similar properties. This amino acid position is conserved. In addition, this alteration is predicted to be tolerated by in silico analysis. Since supporting evidence is limited at this time, the clinical significance of this alteration remains unclear.